The following is an entry in ClinVar:

ClinVar aggregate classification (germline): Likely benign. Review status: criteria provided, single submitter (1 of 4 stars). 2 submissions from 2 submitters: Likely benign (1). 1 of the submissions does not count toward it. Last evaluated 2025-07-22.

Conditions:
WNK4-related disorder. Also called: WNK4-related condition.

Allele frequency attached by ClinVar (database versions not stated): gnomAD 0.00001.
gnomAD v4.1: 12 of 1,613,832 alleles (0.00074%); highest among the groups gnomAD compares: South Asian, 0.0022%; no homozygotes.

Submissions (2):

Labcorp Genetics (formerly Invitae), Labcorp
Classification: Likely benign. Last evaluated: 2025-07-22. Review status: criteria provided, single submitter. Criteria: Invitae Variant Classification Sherloc (09022015). Collection method: clinical testing. Allele origin: germline.

PreventionGenetics, part of Exact Sciences
Classification: Likely benign for WNK4-related condition. Last evaluated: 2021-10-06. Review status: no assertion criteria provided. Collection method: clinical testing. Allele origin: germline. Not counted in ClinVar's aggregate classification.
Comment: This variant is classified as likely benign based on ACMG/AMP sequence variant interpretation guidelines (Richards et al. 2015 PMID: 25741868, with internal and published modifications).

NM_032387.5(WNK4):c.3431+10G>A

Gene: WNK4 (WNK lysine deficient protein kinase 4; plus strand). Cytogenetic location: 17q21.2.
Variant type: single nucleotide variant.
Coding change: c.3431+10G>A on transcript NM_032387.5 (MANE Select); 10 bases into the intron after coding-DNA position 3431, G replaced by A.
Molecular consequence: intron variant.
Genome position (GRCh38, 1-based): chr17:42,796,043, G>A. VCF-style: chr17-42796043-G-A. GRCh37 (hg19) VCF-style: chr17-40948061-G-A.
Other names: c.2423+10G>A (NM_001321299.2); c.3431+10G>A (NM_032387.4).
Identifiers: ClinVar variation 2742098 (VCV002742098.5), dbSNP rs752945642, ClinGen allele CA8584576.
Genomic context (GRCh38, chr17:42,796,043, plus strand): 5'-CAGTGGGGAAGATGAGGAGTTCTGGGCTGAGCTGCAGAGTCTTCGGCAGAAGTGAGTCTC[G>A]GGAGGATGGAGGAGTGAGAGGAGAACCTGGGAGAGCAAGGTGTGTGGCTAGCCCTTTCAT-3'